The following is an entry in ClinVar:

ClinVar aggregate classification (germline): Uncertain significance (1 of 4 stars; one submission).

Conditions:
Intellectual developmental disorder, X-linked, syndromic, Turner type. Also called: X-linked intellectual disability, Turner type; Intellectual disability, X-linked syndromic, Turner type. Identifiers: Orphanet 3056, Orphanet 85328, MedGen C2678046, MONDO:0010407, OMIM 309590.

Submission:

Victorian Clinical Genetics Services, Murdoch Childrens Research Institute
Classification: Uncertain significance for Intellectual developmental disorder, X-linked, syndromic, Turner type. Last evaluated: 2022-02-02. Review status: criteria provided, single submitter. Criteria: ACMG Guidelines, 2015. Collection method: clinical testing. Allele origin: germline. Inheritance: X-linked inheritance. Affected: yes.
Comment: Based on the classification scheme VCGS_Germline_v1.3.4, this variant is classified as VUS-3B. Following criteria are met: 0103 - Loss of function and gain of function are known mechanisms of disease in this gene and are associated with intellectual disability (MIM#309590) (PMID: 27130160). (I) 0110 - This gene is associated with X-linked disease. Due to skewed X-inactivation heterozygous females can be variably affected ranging from asymptomatic to fully manifesting the condition (PMID: 29180823). (I) 0200 - Variant is predicted to result in a missense amino acid change from glutamic acid to glycine. (I) 0251 - This variant is heterozygous. (I) 0301 - Variant is absent from gnomAD (both v2 and v3). (SP) 0502 - Missense variant with conflicting in silico predictions and uninformative conservation. (I) 0604 - Variant is not located in an established domain, motif, hotspot or informative constraint region. (I) 0710 - Another missense variant comparable to the one identified in this case has inconclusive previous evidence for pathogenicity. The p.(Glu3834Val) variant has been classified as a VUS (LOVD). (I) 0807 - This variant has no previous evidence of pathogenicity. (I) 0905 - No published segregation evidence has been identified for this variant. (I) 1007 - No published functional evidence has been identified for this variant. (I) 1208 - Inheritance information for this variant is not currently available in this individual. (I) Legend: (SP) - Supporting pathogenic, (I) - Information, (SB) - Supporting benign

Literature cited by the submitters: PubMed 27130160; PubMed 29180823.

NM_031407.7(HUWE1):c.11501A>G (p.Glu3834Gly)

Gene: HUWE1 (HECT, UBA and WWE domain containing E3 ubiquitin protein ligase 1; minus strand). Cytogenetic location: Xp11.22.
Variant type: single nucleotide variant.
Coding change: c.11501A>G on transcript NM_031407.7 (MANE Select); coding-DNA position 11501, A replaced by G.
Protein change: p.Glu3834Gly; replaces glutamic acid 3834 with glycine.
Molecular consequence: missense variant.
Genome position (GRCh38, 1-based): chrX:53,539,788, T>C on the plus strand (A>G on the coding strand, the complement: HUWE1 is on the minus strand). VCF-style: chrX-53539788-T-C. GRCh37 (hg19) VCF-style: chrX-53566749-T-C.
Other names: short protein forms E3834G.
Identifiers: ClinVar variation 1805148 (VCV001805148.2), dbSNP rs2522467893, ClinGen allele CA413161002.